The following continues an entry in ClinVar:

NM_000059.4(BRCA2):c.467A>G (p.Asp156Gly)

Gene: BRCA2. ClinVar aggregate classification (germline): Conflicting classifications of pathogenicity. Uncertain significance (7); Benign (2); Likely benign (8).

Submissions 12 to 22 of 22:

ARUP Laboratories, Molecular Genetics and Genomics, ARUP Laboratories
Classification: Uncertain significance. Last evaluated: 2018-08-27. Review status: criteria provided, single submitter. Criteria: ARUP Molecular Germline Variant Investigation Process. Collection method: clinical testing. Allele origin: germline.
Comment: The BRCA2 c.467A>G; p.Asp156Gly variant (rs68071147) is reported in the literature in several individuals affected with breast and/or ovarian cancer (Capanu 2011, Sanz 2010, Suter 2004). This variant is reported in ClinVar (Variation ID: 51694) and is found in the African population with an overall allele frequency of 0.05% (13/24012 alleles) in the Genome Aggregation Database. The aspartate at codon 156 is weakly conserved, and computational analyses (SIFT: damaging, PolyPhen-2: benign) predict conflicting effects of this variant on protein structure/function. Analyses of splicing (Alamut v.2.11) predict that this variant creates a novel cryptic splice donor site, and mRNA studies indicate that splicing occurs at this cryptic site, resulting in an in-frame deletion of 9 nucleotides at the end of exon 5 (Houdayer 2012, Sanz 2010). However, due to limited information on the clinical impact of the p.Asp156Gly variant, its significance is uncertain at this time. References: Capanu M et al. Assessment of rare BRCA1 and BRCA2 variants of unknown significance using hierarchical modeling. Genet Epidemiol. 2011 Jul;35(5):389-97. Houdayer C et al. Guidelines for splicing analysis in molecular diagnosis derived from a set of 327 combined in silico/in vitro studies on BRCA1 and BRCA2 variants. Hum Mutat. 2012 Aug;33(8):1228-38. Sanz DJ et al. A high proportion of DNA variants of BRCA1 and BRCA2 is associated with aberrant splicing in breast/ovarian cancer patients. Clin Cancer Res. 2010 Mar 15;16(6):1957-67. Suter NM et al. BRCA1 and BRCA2 mutations in women from Shanghai China. Cancer Epidemiol Biomarkers Prev. 2004 Feb;13(2):181-9.

Ambry Genetics
Classification: Likely benign for Hereditary cancer-predisposing syndrome. Last evaluated: 2018-05-18. Review status: criteria provided, single submitter. Criteria: Ambry Variant Classification Scheme 2023. Collection method: clinical testing. Allele origin: germline.

Genetic Services Laboratory, University of Chicago
Classification: Uncertain significance. Last evaluated: 2017-11-20. Review status: criteria provided, single submitter. Criteria: ACMG Guidelines, 2015. Collection method: clinical testing. Allele origin: germline. Affected: no.

Department of Pathology and Molecular Medicine, Queen's University
Classification: Uncertain significance. Last evaluated: 2017-04-20. Review status: criteria provided, single submitter. Criteria: ACMG Guidelines, 2015. Collection method: clinical testing. Allele origin: germline. Study: The Canadian Open Genetics Repository (COGR).

Institute for Biomarker Research, Medical Diagnostic Laboratories, L.L.C.
Classification: Uncertain significance for Hereditary breast ovarian cancer syndrome. Last evaluated: 2016-04-25. Review status: criteria provided, single submitter. Criteria: ACMG Guidelines, 2015. Collection method: clinical testing. Allele origin: germline.

Pathway Genomics
Classification: Uncertain significance for Breast-ovarian cancer, familial 2. Last evaluated: 2014-10-30. Review status: criteria provided, single submitter. Criteria: ACMG Guidelines, 2015. Collection method: clinical testing. Allele origin: germline. Affected: no.

Research Molecular Genetics Laboratory, Women's College Hospital, University of Toronto
Classification: Uncertain significance. Last evaluated: 2014-01-31. Review status: no assertion criteria provided. Collection method: research. Allele origin: germline. Affected: yes. Study: The Canadian Open Genetics Repository (COGR). Not counted in ClinVar's aggregate classification.

Sharing Clinical Reports Project (SCRP)
Classification: Uncertain significance for Breast-ovarian cancer, familial 2. Last evaluated: 2007-07-09. Review status: no assertion criteria provided. Collection method: clinical testing. Allele origin: germline. Not counted in ClinVar's aggregate classification.

Breast Cancer Information Core (BIC) (BRCA2)
Classification: Uncertain significance for Breast-ovarian cancer, familial 2. Last evaluated: 2002-05-29. Review status: no assertion criteria provided. Collection method: clinical testing. Allele origin: germline. Affected: yes. Observed: 8 variant alleles. Not counted in ClinVar's aggregate classification.

Clinical Genetics DNA and cytogenetics Diagnostics Lab, Erasmus MC, Erasmus Medical Center
Classification: Uncertain significance. Review status: no assertion criteria provided. Collection method: clinical testing. Allele origin: germline. Affected: yes. Study: VKGL Data-share Consensus. Not counted in ClinVar's aggregate classification.

Joint Genome Diagnostic Labs from Nijmegen and Maastricht, Radboudumc and MUMC+
Classification: Uncertain significance. Review status: no assertion criteria provided. Collection method: clinical testing. Allele origin: germline. Affected: yes. Study: VKGL Data-share Consensus. Not counted in ClinVar's aggregate classification.

Literature cited by the submitters: PubMed 31131967 (cited by Center for Genomic Medicine, Rigshospitalet, Copenhagen University Hospital); PubMed 20104584 (cited by 3 submitters); PubMed 21520273 (cited by Women's Health and Genetics/Laboratory Corporation of America, LabCorp and Quest Diagnostics Nichols Institute San Juan Capistrano); PubMed 22505045 (cited by 3 submitters); PubMed 20215541 (cited by 4 submitters); PubMed 14973102 (cited by 4 submitters); PubMed 30883759 (cited by Women's Health and Genetics/Laboratory Corporation of America, LabCorp and Quest Diagnostics Nichols Institute San Juan Capistrano); PubMed 31825140 (cited by Women's Health and Genetics/Laboratory Corporation of America, LabCorp and Quest Diagnostics Nichols Institute San Juan Capistrano); PubMed 32444794 (cited by Women's Health and Genetics/Laboratory Corporation of America, LabCorp and Quest Diagnostics Nichols Institute San Juan Capistrano); PubMed 26941049 (cited by Quest Diagnostics Nichols Institute San Juan Capistrano); PubMed 36898365 (cited by Quest Diagnostics Nichols Institute San Juan Capistrano); PubMed 33471991 (cited by Quest Diagnostics Nichols Institute San Juan Capistrano); PubMed 30233647 (cited by Quest Diagnostics Nichols Institute San Juan Capistrano); PubMed 30640733 (cited by Quest Diagnostics Nichols Institute San Juan Capistrano); PubMed 35304488 (cited by Quest Diagnostics Nichols Institute San Juan Capistrano); PubMed 39041507 (cited by Quest Diagnostics Nichols Institute San Juan Capistrano); DOI 10.3389/fgene.2022.834265 (cited by National Health Laboratory Service, Universitas Academic Hospital and University of the Free State).